The following is an entry in ClinVar:

ClinVar aggregate classification (germline): Uncertain significance (1 of 4 stars; one submission).

Conditions:
Cystic fibrosis (CF). Also called: MUCOVISCIDOSIS. Identifiers: Orphanet 586, MedGen C0010674, MONDO:0009061, OMIM 219700. Disease mechanism: loss of function.

Allele frequency attached by ClinVar (database versions not stated): TOPMed 0.00057; gnomAD exomes 0.00005; 1000 Genomes Project 0.00040; gnomAD 0.00051 and 0.00048; 1000 Genomes Project 30x 0.00062.
gnomAD v4.1: 120 of 1,128,462 alleles (0.011%); highest among the groups gnomAD compares: African/African-American, 0.18%; no homozygotes.

Submission:

Clinical Molecular Genetics Laboratory, Johns Hopkins All Children's Hospital
Classification: Uncertain significance for Cystic fibrosis. Last evaluated: 2019-03-27. Review status: criteria provided, single submitter. Criteria: ACMG Guidelines, 2015. Collection method: clinical testing. Allele origin: germline. Inheritance: Autosomal recessive inheritance. Affected: yes. Observed: 1 heterozygote.
Comment: Deletion/duplication studies were also done and were negative.

NM_000492.4(CFTR):c.*94C>T

Gene: CFTR (CF transmembrane conductance regulator; plus strand). Cytogenetic location: 7q31.2.
Variant type: single nucleotide variant.
Coding change: c.*94C>T on transcript NM_000492.4 (MANE Select); 94 bases downstream of the stop codon, C replaced by T.
Molecular consequence: 3 prime UTR variant.
Genome position (GRCh38, 1-based): chr7:117,667,202, C>T. VCF-style: chr7-117667202-C-T. GRCh37 (hg19) VCF-style: chr7-117307256-C-T.
Identifiers: ClinVar variation 626249 (VCV000626249.1), dbSNP rs144214399, ClinGen allele CA164962234.
Genomic context (GRCh38, chr7:117,667,202, plus strand): 5'-TCATGGAATTGGAGCTCGTGGGACAGTCACCTCATGGAATTGGAGCTCGTGGAACAGTTA[C>T]CTCTGCCTCAGAAAACAAGGATGAATTAAGTTTTTTTTTAAAAAAGAAACATTTGGTAAG-3'